The following is an entry in ClinVar:

NM_001037.5(SCN1B):c.207+1G>A

Gene: SCN1B (sodium voltage-gated channel beta subunit 1; plus strand). Cytogenetic location: 19q13.11.
Variant type: single nucleotide variant.
Coding change: c.207+1G>A on transcript NM_001037.5 (MANE Select); the canonical splice donor site of the intron after coding-DNA position 207, G replaced by A.
Molecular consequence: splice donor variant.
Genome position (GRCh38, 1-based): chr19:35,032,695, G>A. VCF-style: chr19-35032695-G-A. GRCh37 (hg19) VCF-style: chr19-35523599-G-A.
Other names: c.207+1G>A (NM_199037.5); c.108+1G>A (NM_001321605.2).
Identifiers: ClinVar variation 855779 (VCV000855779.8), dbSNP rs2064222084, ClinGen allele CA405328396.

ClinVar aggregate classification (germline): Pathogenic (1 of 4 stars; one submission).

Conditions:
Brugada syndrome 5 (BRGDA5). Identifiers: Orphanet 130, Orphanet 871, MedGen C2748541, MONDO:0013015, OMIM 612838.

Submission:

Labcorp Genetics (formerly Invitae), Labcorp
Classification: Pathogenic for Brugada syndrome 5. Last evaluated: 2025-01-09. Review status: criteria provided, single submitter. Criteria: Invitae Variant Classification Sherloc (09022015). Collection method: clinical testing. Allele origin: germline.
Comment: This sequence change affects a donor splice site in intron 2 of the SCN1B gene. While this variant is not anticipated to result in nonsense mediated decay, it likely alters RNA splicing and results in a disrupted protein product. This variant is not present in population databases (gnomAD no frequency). This variant has not been reported in the literature in individuals affected with SCN1B-related conditions. ClinVar contains an entry for this variant (Variation ID: 855779). Variants that disrupt the consensus splice site are a relatively common cause of aberrant splicing (PMID: 17576681, 9536098). Algorithms developed to predict the effect of sequence changes on RNA splicing suggest that this variant may disrupt the consensus splice site. This variant disrupts a region of the SCN1B protein in which other variant(s) (p.Trp179*) have been determined to be pathogenic (PMID: 18464934; internal data). This suggests that this is a clinically significant region of the protein, and that variants that disrupt it are likely to be disease-causing. For these reasons, this variant has been classified as Pathogenic.

Literature cited by the submitters: PubMed 17576681; PubMed 9536098; PubMed 18464934.